The following is an entry in ClinVar:

ClinVar aggregate classification (germline): Uncertain significance. Review status: criteria provided, multiple submitters, no conflicts (2 of 4 stars). 2 submissions from 2 submitters: Uncertain significance (2). Last evaluated 2025-06-21.

Allele frequency attached by ClinVar (database versions not stated): gnomAD exomes below 0.00001.
gnomAD v4.1: 1 of 1,614,182 alleles (0.000062%); highest among the groups gnomAD compares: Non-Finnish European, 0.000085%; no homozygotes.

Submissions (2):

Dasa
Classification: Uncertain significance. Last evaluated: 2025-06-21. Review status: criteria provided, single submitter. Criteria: DASA Assertion Criteria. Collection method: clinical testing. Allele origin: germline.
Comment: NM_005488.3(TOM1):c.412G>T (p.Val138Phe) is a missense variant that results in the substitution of valine with phenylalanine. This variant is rare in population databases. The currently available literature and clinical evidence are not sufficient to establish a definitive association between this variant and the reported condition. Therefore, this variant is classified as a variant of uncertain significance.

Ambry Genetics
Classification: Uncertain significance. Last evaluated: 2023-06-27. Review status: criteria provided, single submitter. Criteria: Ambry Variant Classification Scheme 2023. Collection method: clinical testing. Allele origin: germline.

NM_005488.3(TOM1):c.412G>T (p.Val138Phe)

Genes: TOM1 (target of myb1 membrane trafficking protein; plus strand), LOC126863133 (CDK7 strongly-dependent group 2 enhancer GRCh37_chr22:35718923-35720122; plus strand). Cytogenetic location: 22q12.3.
Variant type: single nucleotide variant.
Coding change: c.412G>T on transcript NM_005488.3 (MANE Select); coding-DNA position 412, G replaced by T.
Protein change: p.Val138Phe; replaces valine 138 with phenylalanine.
Molecular consequence: missense variant. On other transcripts: non-coding transcript variant (3), intron variant (1).
Genome position (GRCh38, 1-based): chr22:35,323,541, G>T. VCF-style: chr22-35323541-G-T. GRCh37 (hg19) VCF-style: chr22-35719534-G-T.
Other names: c.313G>T, p.Val105Phe (NM_001135729.2); c.412G>T, p.Val138Phe (NM_001135732.2); c.367-227G>T (NM_001135730.2); short protein forms V105F, V138F.
Identifiers: ClinVar variation 2606764 (VCV002606764.4), dbSNP rs1928034490, ClinGen allele CA411355054.
Genomic context (GRCh38, chr22:35,323,541, plus strand): 5'-CTTGTCCCCTCTCAGTCCTGGGCTGACGCGTTCCGCAGCTCGCCCGATCTGACAGGTGTG[G>T]TCACCATCTATGAGGACCTGCGGAGGAAAGGCCTGGAGTTCCCCATGACTGACCTGGACA-3'
Protein context (NP_005479.1, residues 128-148): FRSSPDLTGV[Val138Phe]TIYEDLRRKG